The following is an entry in ClinVar:

NM_006031.6(PCNT):c.3581C>T (p.Ala1194Val)

Gene: PCNT (pericentrin; plus strand). Cytogenetic location: 21q22.3.
Variant type: single nucleotide variant.
Coding change: c.3581C>T on transcript NM_006031.6 (MANE Select); coding-DNA position 3581, C replaced by T.
Protein change: p.Ala1194Val; replaces alanine 1194 with valine.
Molecular consequence: missense variant.
Genome position (GRCh38, 1-based): chr21:46,388,858, C>T. VCF-style: chr21-46388858-C-T. GRCh37 (hg19) VCF-style: chr21-47808773-C-T.
Other names: c.3227C>T, p.Ala1076Val (NM_001315529.2); short protein forms A1194V, A1076V.
Identifiers: ClinVar variation 159591 (VCV000159591.20), dbSNP rs138254119, ClinGen allele CA251054.

ClinVar aggregate classification (germline): Conflicting classifications of pathogenicity. Review status: criteria provided, conflicting classifications (1 of 4 stars). 7 submissions from 7 submitters: Uncertain significance (6); Likely benign (1). Last evaluated 2025-11-04.

Conditions:
PCNT-related disorder. Also called: PCNT-related condition.
Inborn genetic diseases. Identifiers: MedGen C0950123, MeSH D030342.
Microcephalic osteodysplastic primordial dwarfism type II (MOPD2). Also called: Microcephalic osteodysplastic primordial dwarfism with tooth abnormalities; MOPD II; OSTEODYSPLASTIC PRIMORDIAL DWARFISM, TYPE II. Identifiers: Orphanet 2637, MedGen C0432246, MONDO:0008872, OMIM 210720.

Allele frequency attached by ClinVar (database versions not stated): 1000 Genomes Project 30x 0.00031; TOPMed 0.00036; gnomAD 0.00038; 1000 Genomes Project 0.00040; ESP Exome Variant Server 0.00054.
gnomAD v4.1: 722 of 1,608,392 alleles (0.045%); highest among the groups gnomAD compares: Admixed American, 0.06%; no homozygotes.

Submissions (7):

PreventionGenetics, part of Exact Sciences
Classification: Likely benign for PCNT-related condition. Last evaluated: 2025-11-04. Review status: criteria provided, single submitter. Criteria: ACMG Guidelines, 2015. Collection method: clinical testing. Allele origin: germline.
Comment: This variant is classified as likely benign based on ACMG/AMP sequence variant interpretation guidelines (Richards et al. 2015 PMID: 25741868, with internal and published modifications).

Labcorp Genetics (formerly Invitae), Labcorp
Classification: Uncertain significance. Last evaluated: 2025-01-27. Review status: criteria provided, single submitter. Criteria: Invitae Variant Classification Sherloc (09022015). Collection method: clinical testing. Allele origin: germline.
Comment: This sequence change replaces alanine, which is neutral and non-polar, with valine, which is neutral and non-polar, at codon 1194 of the PCNT protein (p.Ala1194Val). This variant is present in population databases (rs138254119, gnomAD 0.05%). This variant has not been reported in the literature in individuals affected with PCNT-related conditions. ClinVar contains an entry for this variant (Variation ID: 159591). An algorithm developed to predict the effect of missense changes on protein structure and function outputs the following: PolyPhen-2: "Benign". The valine amino acid residue is found in multiple mammalian species, which suggests that this missense change does not adversely affect protein function. In summary, the available evidence is currently insufficient to determine the role of this variant in disease. Therefore, it has been classified as a Variant of Uncertain Significance.

Blueprint Genetics
Classification: Uncertain significance. Last evaluated: 2024-11-28. Review status: criteria provided, single submitter. Criteria: ACMG Guidelines, 2015. Collection method: clinical testing. Allele origin: germline.

Ambry Genetics
Classification: Uncertain significance for Inborn genetic diseases. Last evaluated: 2021-09-01. Review status: criteria provided, single submitter. Criteria: Ambry Variant Classification Scheme 2023. Collection method: clinical testing. Allele origin: germline.

Fulgent Genetics
Classification: Uncertain significance for Microcephalic osteodysplastic primordial dwarfism type II. Last evaluated: 2021-08-26. Review status: criteria provided, single submitter. Criteria: ACMG Guidelines, 2015. Collection method: clinical testing. Allele origin: unknown.

Illumina Laboratory Services, Illumina
Classification: Uncertain significance for Microcephalic osteodysplastic primordial dwarfism type II. Last evaluated: 2018-01-13. Review status: criteria provided, single submitter. Criteria: ICSL Variant Classification Criteria 13 December 2019. Collection method: clinical testing. Allele origin: germline.

Genetic Services Laboratory, University of Chicago
Classification: Uncertain significance for Microcephalic osteodysplastic primordial dwarfism, type II. Last evaluated: 2013-10-29. Review status: criteria provided, single submitter. Criteria: ACMG Guidelines, 2007. Collection method: clinical testing. Allele origin: germline. Inheritance: Autosomal recessive inheritance.